The following is an entry in ClinVar:

NM_001080467.3(MYO5B):c.999G>T (p.Leu333Phe)

Gene: MYO5B (myosin VB; minus strand). Cytogenetic location: 18q21.1.
Variant type: single nucleotide variant.
Coding change: c.999G>T on transcript NM_001080467.3 (MANE Select); coding-DNA position 999, G replaced by T.
Protein change: p.Leu333Phe; replaces leucine 333 with phenylalanine.
Molecular consequence: missense variant.
Genome position (GRCh38, 1-based): chr18:49,980,501, C>A on the plus strand (G>T on the coding strand, the complement: MYO5B is on the minus strand). VCF-style: chr18-49980501-C-A. GRCh37 (hg19) VCF-style: chr18-47506871-C-A.
Other names: short protein forms L333F.
Identifiers: ClinVar variation 1705511 (VCV001705511.1), dbSNP rs1226950106, ClinGen allele CA402435063.

ClinVar aggregate classification (germline): Uncertain significance (1 of 4 stars; one submission).

Conditions:
Cholestasis, progressive familial intrahepatic, 10 (PFIC10). Identifiers: MedGen C5676981, MONDO:0030810, OMIM 619868.

Submission:

3billion
Classification: Uncertain significance for Cholestasis, progressive familial intrahepatic, 10. Last evaluated: 2022-09-01. Review status: criteria provided, single submitter. Criteria: ACMG Guidelines, 2015. Collection method: clinical testing. Allele origin: germline. Affected: yes. Observed: 1 homozygote.
Comment: The variant is not observed in the gnomAD v2.1.1 dataset. In silico tool predictions suggest damaging effect of the variant on gene or gene product (REVEL: 0.92; 3Cnet: 0.45). Therefore, this variant is classified as uncertain significance according to the recommendation of ACMG/AMP guideline.